The following is an entry in ClinVar:

ClinVar aggregate classification (germline): Likely benign. Review status: criteria provided, multiple submitters, no conflicts (2 of 4 stars). 2 submissions from 2 submitters: Likely benign (2). Last evaluated 2024-10-01.

Conditions:
Familial thoracic aortic aneurysm and aortic dissection (TAAD). Also called: Thoracic aortic aneurysms and dissections. Identifiers: Orphanet 91387, MedGen C4707243, MONDO:0019625.

Submissions (2):

CeGaT Center for Human Genetics Tuebingen
Classification: Likely benign. Last evaluated: 2024-10-01. Review status: criteria provided, single submitter. Criteria: CeGaT Center For Human Genetics Tuebingen Variant Classification Criteria Version 2. Collection method: clinical testing. Allele origin: germline. Affected: yes. Observed: 1 variant allele.
Comment: SKI: PM2:Supporting, BP4, BP7

Ambry Genetics
Classification: Likely benign for Familial thoracic aortic aneurysm and aortic dissection. Last evaluated: 2020-02-02. Review status: criteria provided, single submitter. Criteria: Ambry Variant Classification Scheme 2023. Collection method: clinical testing. Allele origin: germline.

NM_003036.4(SKI):c.684T>C (p.Cys228=)

Gene: SKI (SKI proto-oncogene; plus strand). Cytogenetic location: 1p36.33.
Variant type: single nucleotide variant.
Coding change: c.684T>C on transcript NM_003036.4 (MANE Select); coding-DNA position 684, T replaced by C.
Protein change: p.Cys228=; no amino-acid change (cysteine 228 retained).
Molecular consequence: synonymous variant.
Genome position (GRCh38, 1-based): chr1:2,229,450, T>C. VCF-style: chr1-2229450-T-C. GRCh37 (hg19) VCF-style: chr1-2160889-T-C.
Identifiers: ClinVar variation 1755795 (VCV001755795.16), dbSNP rs2527579019, ClinGen allele CA415774770.